The following is an entry in ClinVar:

ClinVar aggregate classification (germline): Uncertain significance (1 of 4 stars; one submission).

Conditions:
Hyperaldosteronism, familial, type IV (HALD4). Also called: FH IV; ALDOSTERONISM, PRIMARY, AND HYPERTENSION. Identifiers: Orphanet 642671, MedGen C4310756, MONDO:0014875, OMIM 617027.
Idiopathic generalized epilepsy. Also called: Generalised epilepsy; EIG. Identifiers: MedGen C0270850, MONDO:0005579, OMIM 600669.

Submission:

Labcorp Genetics (formerly Invitae), Labcorp
Classification: Uncertain significance for Idiopathic generalized epilepsy; Hyperaldosteronism, familial, type IV. Last evaluated: 2025-04-17. Review status: criteria provided, single submitter. Criteria: Invitae Variant Classification Sherloc (09022015). Collection method: clinical testing. Allele origin: germline.
Comment: This sequence change replaces arginine, which is basic and polar, with serine, which is neutral and polar, at codon 1935 of the CACNA1H protein (p.Arg1935Ser). This variant is not present in population databases (gnomAD no frequency). This variant has not been reported in the literature in individuals affected with CACNA1H-related conditions. Invitae Evidence Modeling of protein sequence and biophysical properties (such as structural, functional, and spatial information, amino acid conservation, physicochemical variation, residue mobility, and thermodynamic stability) indicates that this missense variant is not expected to disrupt CACNA1H protein function with a negative predictive value of 80%. In summary, the available evidence is currently insufficient to determine the role of this variant in disease. Therefore, it has been classified as a Variant of Uncertain Significance.

NM_021098.3(CACNA1H):c.5805G>C (p.Arg1935Ser)

Gene: CACNA1H (calcium voltage-gated channel subunit alpha1 H; plus strand). Cytogenetic location: 16p13.3.
Variant type: single nucleotide variant.
Coding change: c.5805G>C on transcript NM_021098.3 (MANE Select); coding-DNA position 5805, G replaced by C.
Protein change: p.Arg1935Ser; replaces arginine 1935 with serine.
Molecular consequence: missense variant.
Genome position (GRCh38, 1-based): chr16:1,218,569, G>C. VCF-style: chr16-1218569-G-C. GRCh37 (hg19) VCF-style: chr16-1268569-G-C.
Other names: c.5787G>C, p.Arg1929Ser (NM_001005407.2); short protein forms R1929S, R1935S.
Identifiers: ClinVar variation 4789947 (VCV004789947.1).